The following is an entry in ClinVar:

NM_001844.5(COL2A1):c.785A>G (p.Lys262Arg)

Gene: COL2A1 (collagen type II alpha 1 chain; minus strand). Cytogenetic location: 12q13.11.
Variant type: single nucleotide variant.
Coding change: c.785A>G on transcript NM_001844.5 (MANE Select); coding-DNA position 785, A replaced by G.
Protein change: p.Lys262Arg; replaces lysine 262 with arginine.
Molecular consequence: missense variant.
Genome position (GRCh38, 1-based): chr12:47,994,455, T>C on the plus strand (A>G on the coding strand, the complement: COL2A1 is on the minus strand). VCF-style: chr12-47994455-T-C. GRCh37 (hg19) VCF-style: chr12-48388238-T-C.
Other names: c.578A>G, p.Lys193Arg (NM_033150.3); c.785A>G (NM_001844.4); short protein forms K193R, K262R.
Identifiers: ClinVar variation 1914047 (VCV001914047.7), dbSNP rs769679774, ClinGen allele CA6535783.
Genomic context (GRCh38, chr12:47,994,455, plus strand): 5'-TGCCTGAGGCTGGGAACGGTGGCGTTTACCTGAGGACCAGGCGGACCCCTTTCACCAGCT[T>C]TTCCAGGTTTTCCAGCTTCACCCTGAAGGGAGAGAGAGAGATATCCCAGCTTCCTCAGAG-3'
Protein context (NP_001835.3, residues 252-272): GDDGEAGKPG[Lys262Arg]AGERGPPGPQ

ClinVar aggregate classification (germline): Conflicting classifications of pathogenicity. Review status: criteria provided, conflicting classifications (1 of 4 stars). 3 submissions from 3 submitters: Uncertain significance (2); Likely benign (1). Last evaluated 2024-10-07.

Conditions:
Inborn genetic diseases. Identifiers: MedGen C0950123, MeSH D030342.
Stickler syndrome, type I, nonsyndromic ocular. Also called: STICKLER SYNDROME, ATYPICAL; STICKLER SYNDROME, TYPE I, PREDOMINANTLY OCULAR. Identifiers: MedGen C1836080, MONDO:0012287, OMIM 609508.

Allele frequency attached by ClinVar (database versions not stated): gnomAD exomes below 0.00001; TOPMed 0.00001; ExAC 0.00002.
gnomAD v4.1: 4 of 1,614,006 alleles (0.00025%); highest among the groups gnomAD compares: Admixed American, 0.0033%; no homozygotes.

Submissions (3):

Labcorp Genetics (formerly Invitae), Labcorp
Classification: Likely benign. Last evaluated: 2024-10-07. Review status: criteria provided, single submitter. Criteria: Invitae Variant Classification Sherloc (09022015). Collection method: clinical testing. Allele origin: germline.

3billion
Classification: Uncertain significance for Stickler syndrome, type I, nonsyndromic ocular. Last evaluated: 2024-06-08. Review status: criteria provided, single submitter. Criteria: ACMG Guidelines, 2015. Collection method: clinical testing. Allele origin: germline. Affected: yes.
Comment: The variant is observed at an extremely low frequency in the gnomAD v4.0.0 dataset (total allele frequency: <0.001%). Predicted Consequence/Location: The variant is located in a mutational hot spot and/or well-established functional domain in which established pathogenic variants have been reported (PMID: 26626311). Damaging effect on gene or gene product predicted by in silico programs is uncertain [REVEL: 0.46 (damaging >=0.6, benign <0.4), 3Cnet: 0.08 (damaging >=0.6, benign <0.15)]. The variant has been reported as uncertain signifance(ClinVar ID: VCV001914047). Therefore, this variant is classified as VUS according to the recommendation of ACMG/AMP guideline.

Ambry Genetics
Classification: Uncertain significance for Inborn genetic diseases. Last evaluated: 2023-12-06. Review status: criteria provided, single submitter. Criteria: Ambry Variant Classification Scheme 2023. Collection method: clinical testing. Allele origin: germline.

Literature cited by the submitters: PubMed 26626311 (cited by 3billion).